The following is an entry in ClinVar:

ClinVar aggregate classification (germline): Uncertain significance. Review status: criteria provided, single submitter (1 of 4 stars). 2 submissions from 2 submitters: Uncertain significance (1). 1 of the submissions does not count toward it. Last evaluated 2025-10-30.

Conditions:
ARHGEF28-related disorder. Also called: ARHGEF28-related condition.

Allele frequency attached by ClinVar (database versions not stated): ExAC 0.00041; gnomAD 0.00148; TOPMed 0.00159; 1000 Genomes Project 30x 0.00141; 1000 Genomes Project 0.00140; ESP Exome Variant Server 0.00134.
gnomAD v4.1: 406 of 1,613,618 alleles (0.025%); highest among the groups gnomAD compares: African/African-American, 0.44%; 1 homozygote.

Submissions (2):

Ambry Genetics
Classification: Uncertain significance. Last evaluated: 2025-10-30. Review status: criteria provided, single submitter. Criteria: Ambry Variant Classification Scheme 2023. Collection method: clinical testing. Allele origin: germline.

PreventionGenetics, part of Exact Sciences
Classification: Likely benign for ARHGEF28-related condition. Last evaluated: 2023-06-15. Review status: no assertion criteria provided. Collection method: clinical testing. Allele origin: germline. Not counted in ClinVar's aggregate classification.
Comment: This variant is classified as likely benign based on ACMG/AMP sequence variant interpretation guidelines (Richards et al. 2015 PMID: 25741868, with internal and published modifications).

NM_001177693.2(ARHGEF28):c.1011C>G (p.His337Gln)

Gene: ARHGEF28 (Rho guanine nucleotide exchange factor 28; plus strand). Cytogenetic location: 5q13.2.
Variant type: single nucleotide variant.
Coding change: c.1011C>G on transcript NM_001177693.2 (MANE Select); coding-DNA position 1011, C replaced by G.
Protein change: p.His337Gln; replaces histidine 337 with glutamine.
Molecular consequence: missense variant.
Genome position (GRCh38, 1-based): chr5:73,795,378, C>G. VCF-style: chr5-73795378-C-G. GRCh37 (hg19) VCF-style: chr5-73091203-C-G.
Other names: c.1011C>G, p.His337Gln (NM_001080479.3, NM_001388078.1); c.717C>G, p.His239Gln (NM_001388076.1); short protein forms H239Q, H337Q.
Identifiers: ClinVar variation 3041134 (VCV003041134.3), dbSNP rs181157014, ClinGen allele CA3304401.